The following is an entry in ClinVar:

ClinVar aggregate classification (germline): Benign. Review status: criteria provided, multiple submitters, no conflicts (2 of 4 stars). 9 submissions from 9 submitters: Benign (7). 2 of the submissions do not count toward it. Last evaluated 2026-02-04.

Conditions:
Autosomal recessive limb-girdle muscular dystrophy type 2J (LGMDR10). Also called: MUSCULAR DYSTROPHY, LIMB-GIRDLE, AUTOSOMAL RECESSIVE 10; Limb-girdle muscular dystrophy, type 2J. Identifiers: Orphanet 140922, MedGen C1837342, MONDO:0012127, OMIM 608807.
Dilated cardiomyopathy 1G (CMD1G). Identifiers: Orphanet 154, MedGen C1858763, MONDO:0011400, OMIM 604145.

Allele frequency attached by ClinVar (database versions not stated): gnomAD 0.99876 and 0.99887; TOPMed 0.99877; 1000 Genomes Project 30x 0.99891.

Submissions (9):

Labcorp Genetics (formerly Invitae), Labcorp
Classification: Benign for Dilated cardiomyopathy 1G; Autosomal recessive limb-girdle muscular dystrophy type 2J. Last evaluated: 2026-02-04. Review status: criteria provided, single submitter. Criteria: Invitae Variant Classification Sherloc (09022015). Collection method: clinical testing. Allele origin: germline.

Blueprint Genetics
Classification: Benign. Last evaluated: 2024-11-26. Review status: criteria provided, single submitter. Criteria: ACMG Guidelines, 2015. Collection method: clinical testing. Allele origin: germline.

Athena Diagnostics
Classification: Benign. Last evaluated: 2019-01-28. Review status: criteria provided, single submitter. Criteria: Athena Diagnostics Criteria. Collection method: clinical testing. Allele origin: germline.

Laboratory for Molecular Medicine, Mass General Brigham Personalized Medicine
Classification: Benign. Last evaluated: 2018-07-19. Review status: criteria provided, single submitter. Criteria: LMM Criteria. Collection method: clinical testing. Allele origin: germline. Observed: 2,114 variant alleles.
Comment: c.10213G>A in TTN is a RefSeq error and is the major allele at this position wit h an allele frequency of 99.9% in the Genome Aggregation Database (gnomAD).

Biesecker Lab/Clinical Genomics Section, National Institutes of Health
Classification: Benign. Last evaluated: 2013-06-24. Review status: criteria provided, single submitter. Criteria: Ng et al. (Circ Cardiovasc Genet. 2013). Collection method: research. Allele origin: unknown. Observed: 664 variant alleles. Study: ClinSeq.
Comment: The study set was not selected for affection status in relation to any cancer. Pathogenicity categories were based on literature curation. See Pubmed ID:23861362 for details.

Medical sequencing

GeneDx
Classification: Benign. Last evaluated: 2013-01-31. Review status: criteria provided, single submitter. Criteria: GeneDx Variant Classification (06012015). Collection method: clinical testing. Allele origin: germline. Affected: yes.
Comment: This variant is considered likely benign or benign based on one or more of the following criteria: it is a conservative change, it occurs at a poorly conserved position in the protein, it is predicted to be benign by multiple in silico algorithms, and/or has population frequency not consistent with disease.

Breakthrough Genomics
Classification: Benign. Review status: criteria provided, single submitter. Criteria: ACMG Guidelines, 2015. Collection method: not provided. Allele origin: germline. Inheritance: Autosomal recessive inheritance. Affected: yes.

Clinical Genetics, Academic Medical Center
Classification: Benign. Review status: no assertion criteria provided. Collection method: clinical testing. Allele origin: germline. Affected: yes. Study: VKGL Data-share Consensus. Not counted in ClinVar's aggregate classification.

Diagnostic Laboratory, Department of Genetics, University Medical Center Groningen
Classification: Benign. Review status: no assertion criteria provided. Collection method: clinical testing. Allele origin: germline. Affected: yes. Study: VKGL Data-share Consensus. Not counted in ClinVar's aggregate classification.

NM_001267550.2(TTN):c.10726= (p.Thr3576=)

Gene: TTN (titin; minus strand). Cytogenetic location: 2q31.2.
Variant type: single nucleotide variant.
Coding change: c.10726= on transcript NM_001267550.2 (MANE Select); coding-DNA position 10726, no change from the reference sequence.
Protein change: p.Thr3576=; no amino-acid change (threonine 3576 retained).
Molecular consequence: no sequence alteration. On other transcripts: intron variant (5).
Genome position: GRCh38 VCF-style: chr2-178756750-T-T. GRCh37 (hg19) VCF-style: chr2-179621477-C-T.
Other names: p.A3405T:GCC>ACC; c.10213=, p.Thr3405= (NM_133437.4); c.10165+2234= (NM_003319.4); c.10540+792= (NM_133432.3); c.10303+2234= (NM_133378.4, NM_001256850.1, NM_133379.5); c.10303+2234G>A (NM_133378.4, NM_001256850.1).
Identifiers: ClinVar variation 137832 (VCV000137832.19), dbSNP rs6433728.